The following is an entry in ClinVar:

NM_002474.3(MYH11):c.3605C>T (p.Ala1202Val)

Gene: MYH11 (myosin heavy chain 11; minus strand). Cytogenetic location: 16p13.11.
Variant type: single nucleotide variant.
Coding change: c.3605C>T on transcript NM_002474.3 (MANE Select); coding-DNA position 3605, C replaced by T.
Protein change: p.Ala1202Val; replaces alanine 1202 with valine.
Molecular consequence: missense variant.
Genome position (GRCh38, 1-based): chr16:15,732,610, G>A on the plus strand (C>T on the coding strand, the complement: MYH11 is on the minus strand). VCF-style: chr16-15732610-G-A. GRCh37 (hg19) VCF-style: chr16-15826467-G-A.
Other names: c.3626C>T, p.Ala1209Val (NM_001040113.2, NM_001040114.2); c.3605C>T, p.Ala1202Val (NM_022844.3); short protein forms A1202V, A1209V.
Identifiers: ClinVar variation 2563071 (VCV002563071.5), dbSNP rs2506170415, ClinGen allele CA394861067.

ClinVar aggregate classification (germline): Uncertain significance. Review status: criteria provided, multiple submitters, no conflicts (2 of 4 stars). 2 submissions from 2 submitters: Uncertain significance (2). Last evaluated 2023-04-14.

Conditions:
Familial thoracic aortic aneurysm and aortic dissection (TAAD). Also called: Thoracic aortic aneurysms and dissections. Identifiers: Orphanet 91387, MedGen C4707243, MONDO:0019625.
Aortic aneurysm, familial thoracic 4 (AAT4). Also called: AORTIC ANEURYSM/AORTIC DISSECTION AND PATENT DUCTUS ARTERIOSUS. Identifiers: MedGen C1851504, MONDO:0007568, OMIM 132900.

Submissions (2):

Ambry Genetics
Classification: Uncertain significance for Familial thoracic aortic aneurysm and aortic dissection. Last evaluated: 2023-04-14. Review status: criteria provided, single submitter. Criteria: Ambry Variant Classification Scheme 2023. Collection method: clinical testing. Allele origin: germline.
Comment: The p.A1202V variant (also known as c.3605C>T), located in coding exon 26 of the MYH11 gene, results from a C to T substitution at nucleotide position 3605. The alanine at codon 1202 is replaced by valine, an amino acid with similar properties. This amino acid position is conserved. In addition, this alteration is predicted to be tolerated by in silico analysis. Since supporting evidence is limited at this time, the clinical significance of this alteration remains unclear.

Labcorp Genetics (formerly Invitae), Labcorp
Classification: Uncertain significance for Aortic aneurysm, familial thoracic 4. Last evaluated: 2022-12-12. Review status: criteria provided, single submitter. Criteria: Invitae Variant Classification Sherloc (09022015). Collection method: clinical testing. Allele origin: germline.
Comment: In summary, the available evidence is currently insufficient to determine the role of this variant in disease. Therefore, it has been classified as a Variant of Uncertain Significance. This sequence change replaces alanine, which is neutral and non-polar, with valine, which is neutral and non-polar, at codon 1209 of the MYH11 protein (p.Ala1209Val). This variant is not present in population databases (gnomAD no frequency). This variant has not been reported in the literature in individuals affected with MYH11-related conditions. Advanced modeling of protein sequence and biophysical properties (such as structural, functional, and spatial information, amino acid conservation, physicochemical variation, residue mobility, and thermodynamic stability) performed at Invitae indicates that this missense variant is not expected to disrupt MYH11 protein function.